The following is an entry in ClinVar:

ClinVar aggregate classification (germline): Pathogenic (1 of 4 stars; one submission).

Conditions:
6-Pyruvoyl-tetrahydrobiopterin synthase deficiency. Also called: PTS DEFICIENCY; 6-Pyruvoyltetrahydropterin Synthase Deficiency; Hyperphenylalanemia, BH4-deficient, A; Hyperphenylalaninemia due to 6-pyruvoyl-tetrahydropterin synthase deficiency; BH4-deficient hyperphenylalaninemia A; PTS-Related Tetrahydrobiopterin Deficiency. Identifiers: Orphanet 13, Orphanet 238583, MedGen C0878676, MONDO:0009863, OMIM 261640.

Allele frequency attached by ClinVar (database versions not stated): gnomAD exomes below 0.00001.
gnomAD v4.1: 1 of 1,612,328 alleles (0.000062%); highest among the groups gnomAD compares: Non-Finnish European, 0.000085%; no homozygotes.

Submission:

Labcorp Genetics (formerly Invitae), Labcorp
Classification: Pathogenic for 6-Pyruvoyl-tetrahydrobiopterin synthase deficiency. Last evaluated: 2021-10-20. Review status: criteria provided, single submitter. Criteria: Invitae Variant Classification Sherloc (09022015). Collection method: clinical testing. Allele origin: germline.
Comment: This sequence change affects a donor splice site in intron 5 of the PTS gene. While this variant is not anticipated to result in nonsense mediated decay, it likely alters RNA splicing and results in a disrupted protein product. This variant is not present in population databases (ExAC no frequency). This variant has not been reported in the literature in individuals affected with PTS-related conditions. Variants that disrupt the consensus splice site are a relatively common cause of aberrant splicing (PMID: 17576681, 9536098). Algorithms developed to predict the effect of sequence changes on RNA splicing suggest that this variant may disrupt the consensus splice site. This variant disrupts a region of the PTS protein in which other variant(s) (p.Tyr128*) have been determined to be pathogenic (Invitae). This suggests that this is a clinically significant region of the protein, and that variants that disrupt it are likely to be disease-causing. For these reasons, this variant has been classified as Pathogenic.

Literature cited by the submitters: PubMed 17576681; PubMed 9536098.

NM_000317.3(PTS):c.314+2T>C

Gene: PTS (6-pyruvoyltetrahydropterin synthase; plus strand). Cytogenetic location: 11q23.1.
Variant type: single nucleotide variant.
Coding change: c.314+2T>C on transcript NM_000317.3 (MANE Select); the canonical splice donor site of the intron after coding-DNA position 314, T replaced by C.
Molecular consequence: splice donor variant.
Genome position (GRCh38, 1-based): chr11:112,233,235, T>C. VCF-style: chr11-112233235-T-C. GRCh37 (hg19) VCF-style: chr11-112103958-T-C.
Identifiers: ClinVar variation 1417019 (VCV001417019.7), dbSNP rs2135410340, ClinGen allele CA382627929.